The following is an entry in ClinVar:

ClinVar aggregate classification (germline): Uncertain significance (1 of 4 stars; one submission).

Submission:

Labcorp Genetics (formerly Invitae), Labcorp
Classification: Uncertain significance. Last evaluated: 2025-11-06. Review status: criteria provided, single submitter. Criteria: Invitae Variant Classification Sherloc (09022015). Collection method: clinical testing. Allele origin: germline.
Comment: This variant, c.806_808del, results in the deletion of 1 amino acid(s) of the TNFRSF11B protein (p.Lys269del), but otherwise preserves the integrity of the reading frame. This variant is present in population databases (no rsID available, gnomAD 0.002%). This variant has not been reported in the literature in individuals affected with TNFRSF11B-related conditions. Experimental studies and prediction algorithms are not available or were not evaluated, and the functional significance of this variant is currently unknown. In summary, the available evidence is currently insufficient to determine the role of this variant in disease. Therefore, it has been classified as a Variant of Uncertain Significance.

NM_002546.4(TNFRSF11B):c.803AGA[1] (p.Lys269del)

Gene: TNFRSF11B (TNF receptor superfamily member 11b; minus strand). Cytogenetic location: 8q24.12.
Variant type: Microsatellite.
Coding change: c.803AGA[1] on transcript NM_002546.4 (MANE Select); one copy of the 3-base unit AGA starting at c.803; the reference has two copies in a row; one copy, 3 bases deleted.
Protein change: p.Lys269del; deletes lysine 269.
Molecular consequence: inframe deletion.
Genome position (GRCh38, 1-based): chr8:118,926,503-118,926,505, TCT deleted on the plus strand (AGA on the coding strand, the reverse complement: TNFRSF11B is on the minus strand); deleting any 3 consecutive bases within chr8:118,926,503-118,926,509 gives the same sequence; the position shown is the placement nearest the transcript's 3' end. VCF-style (leftmost placement, unchanged base first): chr8-118926502-ATCT-A. GRCh37 (hg19) VCF-style: chr8-119938741-ATCT-A.
Other names: short protein forms K269del.
Identifiers: ClinVar variation 4692323 (VCV004692323.1).
Genomic context (GRCh38, chr8:118,926,502, plus strand): 5'-TAAATAGGTGTCTTTGATTTCTGATTGATCTTTTTATTTTAGATTATCATACCTTGGATG[ATCT>A]TCTTGACTATATCTTGGTCTTTGTTTTGATGTTTCCATAACTTCAGCAGCTGGAAAGTCT-3'